The following is an entry in ClinVar:

ClinVar aggregate classification (germline): Uncertain significance (1 of 4 stars; one submission).

Conditions:
NFIA-Related Disorder. Also called: NFIA-related condition; NFIA-related disorders. Identifiers: MedGen CN381099.

Submission:

PreventionGenetics, part of Exact Sciences
Classification: Uncertain significance for NFIA-related condition. Last evaluated: 2026-01-11. Review status: criteria provided, single submitter. Criteria: ACMG Guidelines, 2015. Collection method: clinical testing. Allele origin: germline.
Comment: The NFIA c.1399G>T variant is predicted to result in the amino acid substitution p.Ala467Ser. To our knowledge, this variant has not been reported in the literature or in a large population database (gnomAD), indicating this variant is rare. At this time, the clinical significance of this variant is uncertain due to the absence of conclusive functional and genetic evidence.

NM_001134673.4(NFIA):c.1399G>T (p.Ala467Ser)

Gene: NFIA (nuclear factor I A; plus strand). Cytogenetic location: 1p31.3.
Variant type: single nucleotide variant.
Coding change: c.1399G>T on transcript NM_001134673.4 (MANE Select); coding-DNA position 1399, G replaced by T.
Protein change: p.Ala467Ser; replaces alanine 467 with serine.
Molecular consequence: missense variant.
Genome position (GRCh38, 1-based): chr1:61,406,706, G>T. VCF-style: chr1-61406706-G-T. GRCh37 (hg19) VCF-style: chr1-61872378-G-T.
Other names: c.1375G>T, p.Ala459Ser (NM_001145511.2); c.1534G>T, p.Ala512Ser (NM_001145512.2); c.1399G>T, p.Ala467Ser (NM_005595.5); short protein forms A512S, A467S, A459S.
Identifiers: ClinVar variation 4993463 (VCV004993463.1).